The following is an entry in ClinVar:

ClinVar aggregate classification (germline): Uncertain significance (1 of 4 stars; one submission).

Conditions:
Myopathy, proximal, and ophthalmoplegia (CMYO6). Also called: CONGENITAL MYOPATHY 6 WITH OPHTHALMOPLEGIA; MYOPATHY WITH CONGENITAL JOINT CONTRACTURES, OPHTHALMOPLEGIA, AND RIMMED VACUOLES; INCLUSION BODY MYOPATHY 3, AUTOSOMAL DOMINANT. Identifiers: Orphanet 363677, Orphanet 79091, MedGen C1854106, MONDO:0011577, OMIM 605637.

Allele frequency attached by ClinVar (database versions not stated): gnomAD exomes below 0.00001.
gnomAD v4.1: 3 of 1,585,488 alleles (0.00019%); highest among the groups gnomAD compares: African/African-American, 0.0013%; no homozygotes.

Submission:

Labcorp Genetics (formerly Invitae), Labcorp
Classification: Uncertain significance for Myopathy, proximal, and ophthalmoplegia. Last evaluated: 2023-05-20. Review status: criteria provided, single submitter. Criteria: Invitae Variant Classification Sherloc (09022015). Collection method: clinical testing. Allele origin: germline.
Comment: In summary, the available evidence is currently insufficient to determine the role of this variant in disease. Therefore, it has been classified as a Variant of Uncertain Significance. This sequence change affects codon 301 of the MYH2 mRNA. It is a 'silent' change, meaning that it does not change the encoded amino acid sequence of the MYH2 protein. It affects a nucleotide within the consensus splice site. This variant is not present in population databases (gnomAD no frequency). This variant has not been reported in the literature in individuals affected with MYH2-related conditions. Algorithms developed to predict the effect of sequence changes on RNA splicing suggest that this variant is not likely to affect RNA splicing.

NM_017534.6(MYH2):c.903T>C (p.Ile301=)

Genes: MYHAS (myosin heavy chain gene cluster antisense RNA; plus strand), MYH2 (myosin heavy chain 2; minus strand). Cytogenetic location: 17p13.1.
Variant type: single nucleotide variant.
Coding change: c.903T>C on transcript NM_017534.6 (MANE Select); coding-DNA position 903, T replaced by C.
Protein change: p.Ile301=; no amino-acid change (isoleucine 301 retained).
Molecular consequence: synonymous variant.
Genome position (GRCh38, 1-based): chr17:10,542,876, A>G on the plus strand (T>C on the coding strand, the complement: MYH2 is on the minus strand). VCF-style: chr17-10542876-A-G. GRCh37 (hg19) VCF-style: chr17-10446193-A-G.
Other names: c.903T>C, p.Ile301= (NM_001100112.2).
Identifiers: ClinVar variation 2803918 (VCV002803918.3), dbSNP rs2508466403, ClinGen allele CA497865521.
Genomic context (GRCh38, chr17:10,542,876, plus strand): 5'-ACTGTGCATTGATAGGTACTGATGCAGTAATTCTGGAAAAGAATTATGACATTTCTTACC[A>G]ATAAGTTCTGGTTTCTTATTCGATGTAATCTGGTAAAAAATATGATAACTTCTCTCAGCC-3'
Protein context (NP_060004.3, residues 291-311): QITSNKKPEL[Ile301=]EMLLITTNPY